The following is an entry in ClinVar:

NM_000077.5(CDKN2A):c.259C>T (p.Arg87Trp)

Gene: CDKN2A (cyclin dependent kinase inhibitor 2A; minus strand). Cytogenetic location: 9p21.3.
Variant type: single nucleotide variant.
Coding change: c.259C>T on transcript NM_000077.5; coding-DNA position 259, C replaced by T.
Protein change: p.Arg87Trp; replaces arginine 87 with tryptophan.
Molecular consequence: missense variant (on NM_001363763.2). On other transcripts: 3 prime UTR variant (1).
Genome position (GRCh38, 1-based): chr9:21,971,100, G>A on the plus strand (C>T on the coding strand, the complement: CDKN2A is on the minus strand). VCF-style: chr9-21971100-G-A. GRCh37 (hg19) VCF-style: chr9-21971099-G-A.
Other names: c.106C>T, p.Arg36Trp (NM_001363763.2); c.302C>T, p.Pro101Leu (NM_058195.4); c.*182C>T (NM_058197.5); c.259C>T, p.Arg87Trp (NM_000077.6, NM_001195132.2); short protein forms R87W, P101L, R36W.
Identifiers: ClinVar variation 406707 (VCV000406707.34), dbSNP rs749714198, ClinGen allele CA5012197.

ClinVar aggregate classification (germline): Likely pathogenic. Review status: criteria provided, multiple submitters, no conflicts (2 of 4 stars). 11 submissions from 11 submitters: Likely pathogenic (11). Last evaluated 2026-01-31.

Conditions:
Familial melanoma. Also called: Hereditary melanoma; Hereditary cutaneous melanoma. Identifiers: Orphanet 618, MedGen C1512419, MONDO:0018961.
Melanoma and neural system tumor syndrome. Also called: MELANOMA-ASTROCYTOMA SYNDROME. Identifiers: Orphanet 252206, MedGen C1835042, MONDO:0007967, OMIM 155755.
Melanoma, cutaneous malignant, susceptibility to, 2 (CMM2). Also called: CDKN2A-Related Cutaneous Malignant Melanoma; Cutaneous malignant melanoma 2. Identifiers: Orphanet 618, MedGen C1835044, MONDO:0007964, OMIM 155601.
Melanoma-pancreatic cancer syndrome. Identifiers: Orphanet 404560, MedGen C1838547, MONDO:0011713, OMIM 606719. Disease mechanism: loss of function.
Familial meningioma. Also called: Meningioma, familial, susceptibility to. Identifiers: Orphanet 263662, MedGen C3551915, MONDO:0011789, OMIM 607174.
Hereditary cancer-predisposing syndrome. Also called: Hereditary neoplastic syndrome; Neoplastic Syndromes, Hereditary; Hereditary Cancer Syndrome; Tumor predisposition. Identifiers: Orphanet 140162, MedGen C0027672, MeSH D009386, MONDO:0015356.

Allele frequency attached by ClinVar (database versions not stated): gnomAD exomes below 0.00001 and 0.00001; TOPMed below 0.00001; ExAC 0.00001; gnomAD 0.00001.

Submissions (11):

Labcorp Genetics (formerly Invitae), Labcorp
Classification: Likely pathogenic for Familial melanoma. Last evaluated: 2026-01-31. Review status: criteria provided, single submitter. Criteria: Invitae Variant Classification Sherloc (09022015). Collection method: clinical testing. Allele origin: germline.
Comment: The CDKN2A gene encodes two different proteins, p16INK4a and p14ARF, which are translated from alternative transcripts with different open reading frames. Both transcripts have been analyzed. We report either the variant with the higher classification or default to the CDKN2A (p16INK4a) variant. This report therefore includes the details for the CDKN2A (p16INK4a) variant. This sequence change replaces arginine, which is basic and polar, with tryptophan, which is neutral and slightly polar, at codon 87 of the CDKN2A (p16INK4a) protein (p.Arg87Trp). This variant is present in population databases (rs749714198, gnomAD 0.003%). This missense change has been observed in individual(s) with familial melanoma (PMID: 10874641, 15860862, 18023021, 19260062, 21462282, 26650572, 26681309, 29774366). It has also been observed to segregate with disease in related individuals. This variant is also known as c.302C>T (p.Pro101Leu) in the CDKN2A (p14ARF) transcript. ClinVar contains an entry for this variant (Variation ID: 406707). An algorithm developed to predict the effect of missense changes on protein structure and function (PolyPhen-2) suggests that this variant is likely to be disruptive. Experimental studies have shown that this missense change affects CDKN2A (p16INK4a) function (PMID: 19260062, 21462282, 23190892). This variant disrupts the p.Arg87 amino acid residue in CDKN2A (p16INK4a). Other variant(s) that disrupt this residue have been determined to be pathogenic (PMID: 7647780, 7987387, 8603820, 12352668). This suggests that this residue is clinically significant, and that variants that disrupt this residue are likely to be disease-causing. In summary, the currently available evidence indicates that the variant is pathogenic. In the absence of additional clinical evidence, this variant has been classified as Likely Pathogenic. While this evidence indicates that the variant confers risk of developing CDKN2A (p16INK4a)-associated conditions, the association of this variant with risk for developing CDKN2A (p14ARF)-associated conditions is still unclear.

Color Diagnostics, LLC DBA Color Health
Classification: Likely pathogenic for Hereditary cancer-predisposing syndrome. Last evaluated: 2025-07-07. Review status: criteria provided, single submitter. Criteria: ACMG Guidelines, 2015. Collection method: clinical testing. Allele origin: germline.
Comment: The CDKN2A locus encodes two different gene products, p16INK4a and p14ARF. This missense variant replaces arginine with tryptophan at codon 87 of the CDKN2A (p16INK4A) protein. Computational prediction suggests that this variant may not impact protein structure and function Functional studies have shown that this variant causes a partial reduction in CDK4 binding (PMID: 19260062) and a significant loss of ability to control cell cycle (PMID: 19260062, 21462282, 23190892). This variant has been reported in at least twenty individuals affected with melanoma (PMID: 10874641, 15860862, 18023021, 19260062, 21462282, 21801156, 26650572) and in an unaffected individual (PMID: 26650572). This variant has been identified in 2/232208 chromosomes in the general population by the Genome Aggregation Database (gnomAD). Based on the available evidence, this variant is classified as Likely Pathogenic.

Myriad Genetics, Inc.
Classification: Likely pathogenic for Melanoma-pancreatic cancer syndrome. Last evaluated: 2025-05-29. Review status: criteria provided, single submitter. Criteria: Myriad Autosomal Dominant, Autosomal Recessive and X-Linked Classification Criteria (2023). Collection method: clinical testing. Allele origin: unknown.
Comment: This variant is considered likely pathogenic. This variant has been reported in multiple individuals with clinical features of gene-specific disease [PMID: 15860862, 18023021, 19260062, 26650572, 31567591, 21462282]. Functional studies indicate this variant impacts protein function [PMID: 19260062, 23190892]. This variant is expected to disrupt protein structure [Myriad internal data].

GeneKor MSA
Classification: Likely pathogenic for Melanoma-pancreatic cancer syndrome. Last evaluated: 2025-05-15. Review status: criteria provided, single submitter. Criteria: ACMG Guidelines, 2015. Collection method: clinical testing. Allele origin: germline. Affected: yes.
Comment: This is a missense mutation that results in the substitution of arginine with tryptophan at position 87 of the CDKN2A protein (p16INK4a), designated as p.(Arg87Trp). The affected arginine residue is highly conserved and lies within a region of the protein with established functional importance. This variant has been reported at a very low frequency in population databases (rs749714198, ExAC:0.002%) and has been described in multiple studies involving patients with melanoma (PMID:10874641, 21462282, 15860862, 19260062, 26650572, 18023021, 26681309, 29774366). In the ClinVar database, this variant is classified as “likely pathogenic” (VCV000406707.29). Functional studies investigating the impact of the altered CDKN2A protein have shown that this mutation impairs the function of p16INK4a (PMID:21462282, 19260062, 23190892). Furthermore, a different amino acid substitution at the same codon, p.(Arg87Pro), has also been classified as likely pathogenic (PMID:7987387, 12352668, 8603820, 7647780). Based on the above evidence, this variant is considered likely pathogenic.

Dr. Guy Rouleau's laboratory, McGill University
Classification: Likely pathogenic for Familial meningioma. Last evaluated: 2025-03-22. Review status: criteria provided, single submitter. Criteria: ACMG Guidelines, 2015. Collection method: research. Allele origin: germline. Affected: yes.
Comment: This missense variant is located in ankyrin repeats of the p16/INK4A domain. This variant located at the position 87, is change from an Arginine (R), basic amino acid, to Tryptophan (W), an aromatic amino acid in the CDKN2A gene. Functional studies demonstrated that this missense change affects CDKN2A function and results in loss of inhibitory activity (PMID: 8603820, 19260062, 23190892). This variant is present in popultation database (gnomAD v2.1.1 allele frequency = 0.000008613, exome coverage 69X) and has an entry in Clinvar ID: 406707). This variant has been reported in individual with sporadic and familial melanoma (PMID : 10874641, 15860862, 18023021, 21801156, 25780468, 26650572, 29774366). Based on the available evidence, this variant is classified as Likely Pathogenic.

Ambry Genetics
Classification: Likely pathogenic for Hereditary cancer-predisposing syndrome. Last evaluated: 2025-02-26. Review status: criteria provided, single submitter. Criteria: Ambry Variant Classification Scheme 2023. Collection method: clinical testing. Allele origin: germline.
Comment: The p.R87W variant (also known as c.259C>T), located in coding exon 2 of the CDKN2A gene, results from a C to T substitution at nucleotide position 259. The arginine at codon 87 is replaced by tryptophan, an amino acid with dissimilar properties. Of note, this variant is also known as c.302C>T (p.P101L) in the p14(ARF) isoform. This alteration has been reported in multiple individuals with sporadic melanoma, multiple melanomas, and/or familial melanoma (Ambry internal data; Ruiz A et al. J Med Genet. 1999 Jun;36(6):490-3; Puig S et al. J Clin Oncol. 2005 May 1;23(13):3043-51; Helsing P et al. Genes Chromosomes Cancer. 2008 Feb;47(2):175-84; Cuellar F et al. Br J Dermatol. 2009 Jan;160(1):48-53; Kannengiesser C et al. Hum Mutat. 2009 Apr;30(4):564-74; Nikolaou V et al. Br J Dermatol. 2011 Dec;165(6):1219-22; Di Lorenzo S et al. Cancer Biol Ther. 2016;17(1):83-90; Li C et al. Melanoma Res 2020 06;30(3):247-251). Although a CDK4 binding assay showed only partial loss of CDK4 binding activity, a proliferation assay showed impaired capacity to inhibit proliferation of human diploid fibroblasts (Kannengiesser C et al. Hum Mutat. 2009 Apr;30(4):564-74). Additional functional assays have shown partial activity in a cell cycle arrest assay and impaired capacity to regulate both oxidative stress and cell cycle regulatory activity (Miller PJ et al. Hum Mutat. 2011 Aug;32(8):900-11; Jenkins NC et al. J Invest Dermatol. 2013 Apr;133(4):1043-51). This amino acid position is highly conserved in available vertebrate species. In addition, the in silico prediction for this alteration is inconclusive. Based on the majority of available evidence to date, this variant is likely to be pathogenic.

Baylor Genetics
Classification: Likely pathogenic for Melanoma and neural system tumor syndrome. Last evaluated: 2023-09-27. Review status: criteria provided, single submitter. Criteria: ACMG Guidelines, 2015. Collection method: clinical testing. Allele origin: unknown.

GeneDx
Classification: Likely pathogenic. Last evaluated: 2023-06-21. Review status: criteria provided, single submitter. Criteria: GeneDx Variant Classification Process June 2021. Collection method: clinical testing. Allele origin: germline. Affected: yes.
Comment: In silico analysis supports that this missense variant has a deleterious effect on protein structure/function; Not observed at significant frequency in large population cohorts (gnomAD); This variant is associated with the following publications: (PMID: 17370310, 21462282, 10874641, 21801156, 27804060, 25780468, 26650572, 25685612, 18023021, 26681309, 30218143, 35001868, Andreev2022[FunctionalStudy], 23190892, Jang2022[CaseReport], 19260062, 15860862, 31567591, 29774366, 33237286)

Mendelics
Classification: Likely pathogenic for Melanoma-pancreatic cancer syndrome. Last evaluated: 2019-05-28. Review status: criteria provided, single submitter. Criteria: Mendelics Assertion Criteria 2017. Collection method: clinical testing. Allele origin: unknown.

ARUP Laboratories, Molecular Genetics and Genomics, ARUP Laboratories
Classification: Likely pathogenic. Last evaluated: 2017-10-12. Review status: criteria provided, single submitter. Criteria: ARUP Molecular Germline Variant Investigation Process. Collection method: clinical testing. Allele origin: germline.

Juno Genomics, Hangzhou Juno Genomics, Inc
Classification: Likely pathogenic for Melanoma and neural system tumor syndrome; Melanoma, cutaneous malignant, susceptibility to, 2; Melanoma-pancreatic cancer syndrome. Review status: criteria provided, single submitter. Criteria: ACMG Guidelines, 2015. Collection method: clinical testing. Allele origin: germline.
Comment: Absent from controls (or at extremely low frequency if recessive) in Genome Aggregation Database.;Well-established in vitro or in vivo functional studies supportive of a damaging effect on the gene or gene product.;The prevalence of the variant in affected individuals is significantly increased compared to the prevalence in controls.;Patient's phenotype or family history is highly specific for a disease with a single genetic etiology.;Co-segregation with disease in multiple affected family members.;Novel missense change at an amino acid residue where a different missense change determined to be pathogenic has been seen before.

Literature cited by the submitters: PubMed 10874641 (cited by 4 submitters); PubMed 15860862 (cited by 5 submitters); PubMed 18023021 (cited by 5 submitters); PubMed 19260062 (cited by 5 submitters); PubMed 21462282 (cited by 4 submitters); PubMed 26650572 (cited by 5 submitters); PubMed 26681309 (cited by Labcorp Genetics (formerly Invitae), Labcorp and GeneKor MSA); PubMed 29774366 (cited by 3 submitters); PubMed 23190892 (cited by 5 submitters); PubMed 7647780 (cited by Labcorp Genetics (formerly Invitae), Labcorp and GeneKor MSA); PubMed 7987387 (cited by Labcorp Genetics (formerly Invitae), Labcorp and GeneKor MSA); PubMed 8603820 (cited by 3 submitters); PubMed 12352668 (cited by Labcorp Genetics (formerly Invitae), Labcorp and GeneKor MSA); PubMed 21801156 (cited by Color Diagnostics, LLC DBA Color Health and Dr. Guy Rouleau's laboratory, McGill University); PubMed 31567591 (cited by Myriad Genetics, Inc.); PubMed 25780468 (cited by Dr. Guy Rouleau's laboratory, McGill University).